The following is an entry in ClinVar:

ClinVar aggregate classification (germline): Likely benign (0 of 4 stars; one submission).

Conditions:
CLPTM1L-related disorder. Also called: CLPTM1L-related condition.

Allele frequency attached by ClinVar (database versions not stated): ExAC 0.00002; TOPMed 0.00002; gnomAD 0.00003.
gnomAD v4.1: 121 of 1,613,942 alleles (0.0075%); highest among the groups gnomAD compares: Non-Finnish European, 0.0094%; no homozygotes.

Submission:

PreventionGenetics, part of Exact Sciences
Classification: Likely benign for CLPTM1L-related condition. Last evaluated: 2022-01-12. Review status: no assertion criteria provided. Collection method: clinical testing. Allele origin: germline.
Comment: This variant is classified as likely benign based on ACMG/AMP sequence variant interpretation guidelines (Richards et al. 2015 PMID: 25741868, with internal and published modifications).

NM_030782.5(CLPTM1L):c.336C>T (p.His112=)

Gene: CLPTM1L (CLPTM1 like). Cytogenetic location: 5p15.33.
Variant type: single nucleotide variant.
Coding change: c.336C>T on transcript NM_030782.5 (MANE Select); coding-DNA position 336, C replaced by T.
Protein change: p.His112=; no amino-acid change (histidine 112 retained).
Molecular consequence: synonymous variant.
Genome position (GRCh38, 1-based): chr5:1,341,788, G>A on the plus strand (C>T on the coding strand, the complement: CLPTM1L is on the minus strand). VCF-style: chr5-1341788-G-A. GRCh37 (hg19) VCF-style: chr5-1341903-G-A.
Identifiers: ClinVar variation 3032545 (VCV003032545.2), dbSNP rs762040634, ClinGen allele CA3185678.